The following is an entry in ClinVar:

ClinVar aggregate classification (germline): Pathogenic (1 of 4 stars; one submission).

Conditions:
Congenital contractural arachnodactyly (CCA). Also called: BEALS SYNDROME; Arthrogryposis, distal, type 9; Beals-Hecht syndrome. Identifiers: Orphanet 115, MedGen C0220668, MONDO:0007363, OMIM 121050.

Submission:

Medical Genetics Laboratory, West China Hospital, Sichuan University
Classification: Pathogenic for Congenital contractural arachnodactyly. Review status: criteria provided, single submitter. Criteria: ACMG Guidelines, 2015. Collection method: clinical testing. Allele origin: de novo. Inheritance: Autosomal dominant inheritance. Affected: yes.
Comment: This variant is expected to disrupt RNA splicing and likely results in an absent or disrupted protein product and result in the loss of function of FBN2, which contributes to Contractural arachnodactyly. This variant is not present in population databases (ExAC no frequency). This variant has not been reported in the literature in individuals with FBN2-related conditions.

NM_001999.4(FBN2):c.533-1G>C

Gene: FBN2 (fibrillin 2; minus strand). Cytogenetic location: 5q23.3.
Variant type: single nucleotide variant.
Coding change: c.533-1G>C on transcript NM_001999.4 (MANE Select); the canonical splice acceptor site of the intron before coding-DNA position 533, G replaced by C.
Molecular consequence: splice acceptor variant.
Genome position (GRCh38, 1-based): chr5:128,519,369, C>G on the plus strand (G>C on the coding strand, the complement: FBN2 is on the minus strand). VCF-style: chr5-128519369-C-G. GRCh37 (hg19) VCF-style: chr5-127855062-C-G.
Identifiers: ClinVar variation 978218 (VCV000978218.1), dbSNP rs1756369186, ClinGen allele CA360756301.